The following is an entry in ClinVar:

ClinVar aggregate classification (germline): Uncertain significance (1 of 4 stars; one submission).

Conditions:
Beckwith-Wiedemann syndrome (BWS). Also called: Exomphalos macroglossia gigantism syndrome; EMG SYNDROME. Identifiers: Orphanet 116, MedGen C0004903, MONDO:0007534, OMIM 130650.

Submission:

Labcorp Genetics (formerly Invitae), Labcorp
Classification: Uncertain significance for Beckwith-Wiedemann syndrome. Last evaluated: 2021-11-17. Review status: criteria provided, single submitter. Criteria: Invitae Variant Classification Sherloc (09022015). Collection method: clinical testing. Allele origin: germline.
Comment: In summary, the available evidence is currently insufficient to determine the role of this variant in disease. Therefore, it has been classified as a Variant of Uncertain Significance. Algorithms developed to predict the effect of sequence changes on RNA splicing suggest that this variant may create or strengthen a splice site. Algorithms developed to predict the effect of missense changes on protein structure and function are either unavailable or do not agree on the potential impact of this missense change (SIFT: "Tolerated"; PolyPhen-2: "Not Available"; Align-GVGD: "Class C0"). This variant has not been reported in the literature in individuals affected with CDKN1C-related conditions. The frequency data for this variant in the population databases is considered unreliable, as metrics indicate insufficient coverage at this position in the gnomAD database. This sequence change replaces proline, which is neutral and non-polar, with glutamine, which is neutral and polar, at codon 180 of the CDKN1C protein (p.Pro180Gln).

NM_001122630.2(CDKN1C):c.506C>A (p.Pro169Gln)

Gene: CDKN1C (cyclin dependent kinase inhibitor 1C; minus strand). Cytogenetic location: 11p15.4.
Variant type: single nucleotide variant.
Coding change: c.506C>A on transcript NM_001122630.2 (MANE Select); coding-DNA position 506, C replaced by A.
Protein change: p.Pro169Gln; replaces proline 169 with glutamine.
Molecular consequence: missense variant. On other transcripts: intron variant (1).
Genome position (GRCh38, 1-based): chr11:2,884,951, G>T on the plus strand (C>A on the coding strand, the complement: CDKN1C is on the minus strand). VCF-style: chr11-2884951-G-T. GRCh37 (hg19) VCF-style: chr11-2906181-G-T.
Other names: c.539C>A, p.Pro180Gln (NM_000076.2, NM_001362474.2); c.506C>A, p.Pro169Gln (NM_001122631.2); c.255+251C>A (NM_001362475.2); short protein forms P169Q, P180Q.
Identifiers: ClinVar variation 1465934 (VCV001465934.6), dbSNP rs113374868, ClinGen allele CA379146504.
Genomic context (GRCh38, chr11:2,884,951, plus strand): 5'-GGGGCCGGGGCCGCGACTGGAGCCGGGGCCGGAGCCGGAGCCGGAGCCGGGGCCGGGGCC[G>T]GGGCCAGGACCGCGACCGCGACCGGAGCCGCGACCGGAGCCGCGACCGGAGCCGGAGCCG-3'
Protein context (NP_001116102.1, residues 159-179): AAPVAVAVLA[Pro169Gln]APAPAPAPAP